The following is an entry in ClinVar:

ClinVar aggregate classification (germline): Pathogenic (1 of 4 stars; one submission).

Conditions:
Autosomal recessive inherited pseudoxanthoma elasticum (PXE). Identifiers: Orphanet 758, MedGen CN032334, MONDO:0009925, OMIM 264800.

Submission:

Victorian Clinical Genetics Services, Murdoch Childrens Research Institute
Classification: Pathogenic for Autosomal recessive inherited pseudoxanthoma elasticum. Last evaluated: 2022-02-02. Review status: criteria provided, single submitter. Criteria: ACMG Guidelines, 2015. Collection method: clinical testing. Allele origin: germline. Inheritance: Autosomal recessive inheritance. Affected: yes.
Comment: Based on the classification scheme VCGS_Germline_v1.3.4, this variant is classified as Pathogenic. Following criteria are met: 0102 - Loss of function is a known mechanism of disease in this gene and is associated with generalised infantile arterial calcification 2 (MIM#614473), pseudoxanthoma elasticum (MIM#264800) and forme fruste pseudoxanthoma elasticum (MIM#177850). (I) 0108 - This gene is associated with both recessive and dominant disease. Pseudoxanthoma elasticum has historically been reported with both dominant and recessive inheritance however, recent publications regarded the inheritance pattern as mainly recessive (OMIM, PMIDs: 12673275, 28102862, 33812167). (I) 0200 - Variant is predicted to result in a missense amino acid change from arginine to proline. (I) 0251 - This variant is heterozygous. (I) 0301 - Variant is absent from gnomAD (both v2 and v3). (SP) 0309 - Alternative amino acid changes at the same position have been observed in gnomAD (v2) (highest allele count: 9 heterozygotes, 0 homozygotes). (I) 0501 - Missense variant consistently predicted to be damaging by multiple in silico tools or highly conserved with a major amino acid change. (SP) 0600 - Variant is located in the annotated ABC transporter 1 domain (PDB). (I) 0701 - Other missense variants comparable to the one identified in this case have very strong previous evidence for pathogenicity. The p.Arg760Gln and Arg760Trp variants have been reported in multiple individuals with pseudoxanthoma elasticum (ClinVar, PMIDs: 16835894, 23968982, 32270475). (SP) 0807 - This variant has no previous evidence of pathogenicity. (I) 0905 - No published segregation evidence has been identified for this variant. (I) 1007 - No published functional evidence has been identified for this variant. (I) 1102 - Strong phenotype match for this individual. (SP) 1201 - Heterozygous variant detected in trans with a pathogenic heterozygous deletion (spans exons 23 - 29 of the ABCC6 gene) in a recessive disease. (SP) Legend: (SP) - Supporting pathogenic, (I) - Information, (SB) - Supporting benign

Literature cited by the submitters: PubMed 12673275; PubMed 16835894; PubMed 23968982; PubMed 28102862; PubMed 32270475; PubMed 33812167.

NM_001171.6(ABCC6):c.2279G>C (p.Arg760Pro)

Gene: ABCC6 (ATP binding cassette subfamily C member 6; minus strand). Cytogenetic location: 16p13.11.
Variant type: single nucleotide variant.
Coding change: c.2279G>C on transcript NM_001171.6 (MANE Select); coding-DNA position 2279, G replaced by C.
Protein change: p.Arg760Pro; replaces arginine 760 with proline.
Molecular consequence: missense variant. On other transcripts: non-coding transcript variant (1).
Genome position (GRCh38, 1-based): chr16:16,178,934, C>G on the plus strand (G>C on the coding strand, the complement: ABCC6 is on the minus strand). VCF-style: chr16-16178934-C-G. GRCh37 (hg19) VCF-style: chr16-16272791-C-G.
Other names: c.1937G>C, p.Arg646Pro (NM_001351800.1); short protein forms R646P, R760P.
Identifiers: ClinVar variation 3376887 (VCV003376887.1).